The following is an entry in ClinVar:

NM_147127.5(EVC2):c.3023C>T (p.Ser1008Leu)

Gene: EVC2 (EvC ciliary complex subunit 2; minus strand). Cytogenetic location: 4p16.2.
Variant type: single nucleotide variant.
Coding change: c.3023C>T on transcript NM_147127.5 (MANE Select); coding-DNA position 3023, C replaced by T.
Protein change: p.Ser1008Leu; replaces serine 1008 with leucine.
Molecular consequence: missense variant.
Genome position (GRCh38, 1-based): chr4:5,584,657, G>A on the plus strand (C>T on the coding strand, the complement: EVC2 is on the minus strand). VCF-style: chr4-5584657-G-A. GRCh37 (hg19) VCF-style: chr4-5586384-G-A.
Other names: c.2783C>T, p.Ser928Leu (NM_001166136.2); short protein forms S1008L, S928L.
Identifiers: ClinVar variation 262615 (VCV000262615.18), dbSNP rs60809236, ClinGen allele CA2834487.

ClinVar aggregate classification (germline): Benign/Likely benign. Review status: criteria provided, multiple submitters, no conflicts (2 of 4 stars). 6 submissions from 6 submitters: Benign (5); Likely benign (1). Last evaluated 2026-05-09.

Conditions:
Curry-Hall syndrome (WAD). Also called: WEYERS ACRODENTAL DYSOSTOSIS. Identifiers: Orphanet 952, MedGen C0457013, MONDO:0008673, OMIM 193530.
Ellis-van Creveld syndrome (EVC). Also called: MESOECTODERMAL DYSPLASIA; Chondroectodermal dysplasia. Identifiers: Orphanet 289, MedGen C0013903, MONDO:0009162, OMIM 225500.

Allele frequency attached by ClinVar (database versions not stated): gnomAD exomes 0.00903; ExAC 0.01176; gnomAD 0.03040; ESP Exome Variant Server 0.03545; TOPMed 0.03771; 1000 Genomes Project 30x 0.03857; 1000 Genomes Project 0.03774.
gnomAD v4.1: 9,980 of 1,613,748 alleles (0.62%); highest among the groups gnomAD compares: African/African-American, 11%; 498 homozygotes.

Submissions (6):

Women's Health and Genetics/Laboratory Corporation of America, LabCorp
Classification: Likely benign. Last evaluated: 2026-05-09. Review status: criteria provided, single submitter. Criteria: LabCorp Variant Classification Summary - May 2015. Collection method: clinical testing. Allele origin: germline.

Labcorp Genetics (formerly Invitae), Labcorp
Classification: Benign for Curry-Hall syndrome; Ellis-van Creveld syndrome. Last evaluated: 2026-02-04. Review status: criteria provided, single submitter. Criteria: Invitae Variant Classification Sherloc (09022015). Collection method: clinical testing. Allele origin: germline.

Illumina Laboratory Services, Illumina
Classification: Benign for Ellis-van Creveld syndrome. Last evaluated: 2018-01-12. Review status: criteria provided, single submitter. Criteria: ICSL Variant Classification Criteria 13 December 2019. Collection method: clinical testing. Allele origin: germline.
Comment: This variant was observed in the ICSL laboratory as part of a predisposition screen in an ostensibly healthy population. It had not been previously curated by ICSL or reported in the Human Gene Mutation Database (HGMD: prior to June 1st, 2018), and was therefore a candidate for classification through an automated scoring system. Utilizing variant allele frequency, disease prevalence and penetrance estimates, and inheritance mode, an automated score was calculated to assess if this variant is too frequent to cause the disease. Based on the score and internal cut-off values, a variant classified as benign is not then subjected to further curation. The score for this variant resulted in a classification of benign for this disease.

GeneDx
Classification: Benign. Last evaluated: 2016-09-14. Review status: criteria provided, single submitter. Criteria: GeneDx Variant Classification (06012015). Collection method: clinical testing. Allele origin: germline. Affected: yes.
Comment: This variant is considered likely benign or benign based on one or more of the following criteria: it is a conservative change, it occurs at a poorly conserved position in the protein, it is predicted to be benign by multiple in silico algorithms, and/or has population frequency not consistent with disease.

Breakthrough Genomics
Classification: Benign. Review status: criteria provided, single submitter. Criteria: ACMG Guidelines, 2015. Collection method: not provided. Allele origin: germline. Inheritance: Autosomal recessive inheritance. Affected: yes.

PreventionGenetics, part of Exact Sciences
Classification: Benign. Review status: criteria provided, single submitter. Criteria: ACMG Guidelines, 2015. Collection method: clinical testing. Allele origin: germline.